The following is an entry in ClinVar:

NM_001042492.3(NF1):c.2409+1_2409+2insA

Gene: NF1 (neurofibromin 1; plus strand). Cytogenetic location: 17q11.2.
Variant type: Insertion.
Coding change: c.2409+1_2409+2insA on transcript NM_001042492.3 (MANE Select); the canonical splice donor site of the intron after coding-DNA position 2409, A inserted.
Molecular consequence: splice donor variant.
Genome position: GRCh38 VCF-style: chr17-31227607-G-GA. GRCh37 (hg19) VCF-style: chr17-29554625-G-GA.
Other names: c.2409+1_2409+2insA (NM_000267.4).
Identifiers: ClinVar variation 2841672 (VCV002841672.3), dbSNP rs2508171976, ClinGen allele CA2739267353.
Genomic context (GRCh38, chr17:31,227,607, plus strand): 5'-TGGGAACAAGCAACAAAGCTAATCCTTAACTATCCAAAAGCCAAAATGGAAGATGGCCAG[G>GA]TAAGTCTGTAAAGTTGACTTTTGTCTGTTAACTGATCTGCTAAATATATGTACTTCACTT-3'

ClinVar aggregate classification (germline): Pathogenic (1 of 4 stars; one submission).

Conditions:
Neurofibromatosis, type 1 (NF1). Also called: Neurofibromatosis, type I; VON RECKLINGHAUSEN DISEASE; NEUROFIBROMATOSIS, TYPE I, SOMATIC; Peripheral type neurofibromatosis. Identifiers: Orphanet 636, MedGen C0027831, MONDO:0018975, OMIM 162200. Disease mechanism: loss of function.

Submission:

Labcorp Genetics (formerly Invitae), Labcorp
Classification: Pathogenic for Neurofibromatosis, type 1. Last evaluated: 2024-09-29. Review status: criteria provided, single submitter. Criteria: Invitae Variant Classification Sherloc (09022015). Collection method: clinical testing. Allele origin: germline.
Comment: This sequence change affects a splice site in intron 20 of the NF1 gene. It is expected to disrupt RNA splicing. Variants that disrupt the donor or acceptor splice site typically lead to a loss of protein function (PMID: 16199547), and loss-of-function variants in NF1 are known to be pathogenic (PMID: 10712197, 23913538). This variant is not present in population databases (gnomAD no frequency). Disruption of this splice site has been observed in individuals with neurofibromatosis type 1 (PMID: 16835897, 25074460). Algorithms developed to predict the effect of sequence changes on RNA splicing suggest that this variant may disrupt the consensus splice site. For these reasons, this variant has been classified as Pathogenic.

Literature cited by the submitters: PubMed 16199547; PubMed 10712197; PubMed 23913538; PubMed 16835897; PubMed 25074460.